The following is an entry in ClinVar:

ClinVar aggregate classification (germline): Conflicting classifications of pathogenicity. Review status: criteria provided, conflicting classifications (1 of 4 stars). 3 submissions from 3 submitters: Uncertain significance (1); Likely benign (2). Last evaluated 2025-11-19.

Allele frequency attached by ClinVar (database versions not stated): gnomAD 0.00003; TOPMed 0.00005; ExAC 0.00012.

Submissions (3):

Labcorp Genetics (formerly Invitae), Labcorp
Classification: Likely benign. Last evaluated: 2025-11-19. Review status: criteria provided, single submitter. Criteria: Invitae Variant Classification Sherloc (09022015). Collection method: clinical testing. Allele origin: germline.

Blueprint Genetics
Classification: Likely benign. Last evaluated: 2024-04-04. Review status: criteria provided, single submitter. Criteria: ACMG Guidelines, 2015. Collection method: clinical testing. Allele origin: germline.

CeGaT Center for Human Genetics Tuebingen
Classification: Uncertain significance. Last evaluated: 2022-11-01. Review status: criteria provided, single submitter. Criteria: CeGaT Center For Human Genetics Tuebingen Variant Classification Criteria Version 2. Collection method: clinical testing. Allele origin: germline. Affected: yes. Observed: 1 variant allele.
Comment: CYBC1: PM2, BP4

NM_001033046.4(CYBC1):c.298+8G>A

Gene: CYBC1 (cytochrome b-245 chaperone 1; minus strand). Cytogenetic location: 17q25.3.
Variant type: single nucleotide variant.
Coding change: c.298+8G>A on transcript NM_001033046.4 (MANE Select); 8 bases into the intron after coding-DNA position 298, G replaced by A.
Molecular consequence: intron variant.
Genome position (GRCh38, 1-based): chr17:82,445,856, C>T on the plus strand (G>A on the coding strand, the complement: CYBC1 is on the minus strand). VCF-style: chr17-82445856-C-T. GRCh37 (hg19) VCF-style: chr17-80403732-C-T.
Other names: c.256+8G>A (NM_001100408.3); c.298+8G>A (NM_001100407.3, NM_001193657.2, NM_001193654.2 and 2 more transcripts).
Identifiers: ClinVar variation 2648497 (VCV002648497.28), dbSNP rs538937116, ClinGen allele CA8858282.
Genomic context (GRCh38, chr17:82,445,856, plus strand): 5'-TCACCCAGACGCCCAAGTGCGCCGCCTCTGTGGCCGTGTCCCATGTCCCCACGCTCCCCA[C>T]GACTCACCCTGGTCGTGGCCAGCTCTGAAAAGAGTCAGCAGCTTCTTGTAGAGGCTGAAC-3'